The following is an entry in ClinVar:

NM_006648.4(WNK2):c.508C>T (p.Arg170Trp)

Gene: WNK2 (WNK lysine deficient protein kinase 2; plus strand). Cytogenetic location: 9q22.31.
Variant type: single nucleotide variant.
Coding change: c.508C>T on transcript NM_006648.4 (MANE Select); coding-DNA position 508, C replaced by T.
Protein change: p.Arg170Trp; replaces arginine 170 with tryptophan.
Molecular consequence: missense variant.
Genome position (GRCh38, 1-based): chr9:93,185,437, C>T. VCF-style: chr9-93185437-C-T. GRCh37 (hg19) VCF-style: chr9-95947719-C-T.
Other names: c.508C>T, p.Arg170Trp (NM_001282394.3); short protein forms R170W.
Identifiers: ClinVar variation 4201557 (VCV004201557.1).

ClinVar aggregate classification (germline): Uncertain significance (1 of 4 stars; one submission).

gnomAD v4.1: 5 of 1,611,884 alleles (0.00031%); highest among the groups gnomAD compares: South Asian, 0.0033%; no homozygotes.

Submission:

Ambry Genetics
Classification: Uncertain significance. Last evaluated: 2025-06-25. Review status: criteria provided, single submitter. Criteria: Ambry Variant Classification Scheme 2023. Collection method: clinical testing. Allele origin: germline.
Comment: The p.R170W variant (also known as c.508C>T), located in coding exon 1 of the WNK2 gene, results from a C to T substitution at nucleotide position 508. The arginine at codon 170 is replaced by tryptophan, an amino acid with dissimilar properties. This amino acid position is conserved. In addition, this alteration is predicted to be tolerated by in silico analysis. Based on the available evidence, the clinical significance of this variant remains unclear.